The following is an entry in ClinVar:

ClinVar aggregate classification (germline): Uncertain significance (1 of 4 stars; one submission).

Submission:

Labcorp Genetics (formerly Invitae), Labcorp
Classification: Uncertain significance. Last evaluated: 2022-11-01. Review status: criteria provided, single submitter. Criteria: Invitae Variant Classification Sherloc (09022015). Collection method: clinical testing. Allele origin: germline.
Comment: This sequence change replaces asparagine, which is neutral and polar, with aspartic acid, which is acidic and polar, at codon 1663 of the C3 protein (p.Asn1663Asp). In summary, the available evidence is currently insufficient to determine the role of this variant in disease. Therefore, it has been classified as a Variant of Uncertain Significance. Algorithms developed to predict the effect of missense changes on protein structure and function are either unavailable or do not agree on the potential impact of this missense change (SIFT: "Tolerated"; PolyPhen-2: "Probably Damaging"; Align-GVGD: "Class C0"). This variant has not been reported in the literature in individuals affected with C3-related conditions. This variant is not present in population databases (gnomAD no frequency).

NM_000064.4(C3):c.4987A>G (p.Asn1663Asp)

Gene: C3 (complement C3; minus strand). Cytogenetic location: 19p13.3.
Variant type: single nucleotide variant.
Coding change: c.4987A>G on transcript NM_000064.4 (MANE Select); coding-DNA position 4987, A replaced by G.
Protein change: p.Asn1663Asp; replaces asparagine 1663 with aspartic acid.
Molecular consequence: missense variant.
Genome position (GRCh38, 1-based): chr19:6,677,887, T>C on the plus strand (A>G on the coding strand, the complement: C3 is on the minus strand). VCF-style: chr19-6677887-T-C. GRCh37 (hg19) VCF-style: chr19-6677898-T-C.
Other names: short protein forms N1663D.
Identifiers: ClinVar variation 2791078 (VCV002791078.3), dbSNP rs2512223715, ClinGen allele CA403610059.